The following is an entry in ClinVar:

NM_001358921.2(COQ2):c.-20del

Genes: COQ2 (coenzyme Q2, polyprenyltransferase; minus strand), LOC112997540 (Sharpr-MPRA regulatory region 13773; plus strand). Cytogenetic location: 4q21.23.
Variant type: Deletion.
Coding change: c.-20del on transcript NM_001358921.2 (MANE Select); 20 bases upstream of the start codon, one base deleted (G; older notation c.-20delG).
Molecular consequence: 5 prime UTR variant. On other transcripts: frameshift variant (1).
Genome position (GRCh38, 1-based): chr4:83,284,784, C deleted on the plus strand (G on the coding strand, the reverse complement: COQ2 is on the minus strand). VCF-style (leftmost placement, unchanged base first): chr4-83284783-AC-A. GRCh37 (hg19) VCF-style: chr4-84205936-AC-A.
Other names: c.131del, p.Arg44fs (NM_015697.9); short protein forms R44fs.
Identifiers: ClinVar variation 1206402 (VCV001206402.7), dbSNP rs1273935389, ClinGen allele CA553084110.

ClinVar aggregate classification (germline): Uncertain significance. Review status: criteria provided, single submitter (1 of 4 stars). 3 submissions from 3 submitters: Uncertain significance (1). 2 of the submissions do not count toward it. Last evaluated 2022-08-21.

Allele frequency attached by ClinVar (database versions not stated): gnomAD exomes below 0.00001 and 0.00001.

Submissions (3):

Labcorp Genetics (formerly Invitae), Labcorp
Classification: Uncertain significance. Last evaluated: 2022-08-21. Review status: criteria provided, single submitter. Criteria: Invitae Variant Classification Sherloc (09022015). Collection method: clinical testing. Allele origin: germline.
Comment: This sequence change creates a premature translational stop signal (p.Arg44Leufs*128) in the COQ2 gene. However, it is currently unclear if variants that occur in this region of the gene cause disease. This variant is present in population databases (no rsID available, gnomAD 0.004%). This variant has not been reported in the literature in individuals affected with COQ2-related conditions. ClinVar contains an entry for this variant (Variation ID: 1206402). Experimental studies and prediction algorithms are not available or were not evaluated, and the functional significance of this variant is currently unknown. In summary, the available evidence is currently insufficient to determine the role of this variant in disease. Therefore, it has been classified as a Variant of Uncertain Significance.

Clinical Genetics DNA and cytogenetics Diagnostics Lab, Erasmus MC, Erasmus Medical Center
Classification: Uncertain significance. Review status: no assertion criteria provided. Collection method: clinical testing. Allele origin: germline. Affected: yes. Study: VKGL Data-share Consensus. Not counted in ClinVar's aggregate classification.

Laboratory of Diagnostic Genome Analysis, Leiden University Medical Center (LUMC)
Classification: Uncertain significance. Review status: no assertion criteria provided. Collection method: clinical testing. Allele origin: germline. Affected: yes. Study: VKGL Data-share Consensus. Not counted in ClinVar's aggregate classification.